The following is an entry in ClinVar:

ClinVar aggregate classification (germline): Uncertain significance (1 of 4 stars; one submission).

Conditions:
Early Myoclonic Encephalopathy. Identifiers: MedGen C0270855.

Allele frequency attached by ClinVar (database versions not stated): gnomAD exomes below 0.00001; gnomAD 0.00003.
gnomAD v4.1: 8 of 1,603,062 alleles (0.0005%); highest among the groups gnomAD compares: Admixed American, 0.0017%; no homozygotes.

Submission:

Labcorp Genetics (formerly Invitae), Labcorp
Classification: Uncertain significance for Early Myoclonic Encephalopathy. Last evaluated: 2022-04-16. Review status: criteria provided, single submitter. Criteria: Invitae Variant Classification Sherloc (09022015). Collection method: clinical testing. Allele origin: germline.
Comment: This variant has not been reported in the literature in individuals affected with JMJD1C-related conditions. This sequence change replaces serine, which is neutral and polar, with threonine, which is neutral and polar, at codon 384 of the JMJD1C protein (p.Ser384Thr). This variant is present in population databases (no rsID available, gnomAD 0.007%). Algorithms developed to predict the effect of missense changes on protein structure and function are either unavailable or do not agree on the potential impact of this missense change (SIFT: "Deleterious"; PolyPhen-2: "Benign"; Align-GVGD: "Class C0"). In summary, the available evidence is currently insufficient to determine the role of this variant in disease. Therefore, it has been classified as a Variant of Uncertain Significance.

NM_032776.3(JMJD1C):c.1150T>A (p.Ser384Thr)

Gene: JMJD1C (jumonji domain containing 1C; minus strand). Cytogenetic location: 10q21.3.
Variant type: single nucleotide variant.
Coding change: c.1150T>A on transcript NM_032776.3 (MANE Select); coding-DNA position 1150, T replaced by A.
Protein change: p.Ser384Thr; replaces serine 384 with threonine.
Molecular consequence: missense variant. On other transcripts: non-coding transcript variant (1).
Genome position (GRCh38, 1-based): chr10:63,215,017, A>T on the plus strand (T>A on the coding strand, the complement: JMJD1C is on the minus strand). VCF-style: chr10-63215017-A-T. GRCh37 (hg19) VCF-style: chr10-64974777-A-T.
Other names: c.604T>A, p.Ser202Thr (NM_001282948.2, NM_001318154.2); c.286T>A, p.Ser96Thr (NM_001318153.2); c.1036T>A, p.Ser346Thr (NM_001322252.2); c.493T>A, p.Ser165Thr (NM_001322254.2, NM_001322258.2); short protein forms S165T, S202T, S96T, S346T, S384T.
Identifiers: ClinVar variation 2140134 (VCV002140134.4), dbSNP rs1418619816, ClinGen allele CA377050448.